The following is an entry in ClinVar:

ClinVar aggregate classification (germline): Benign (1 of 4 stars; one submission).

Allele frequency attached by ClinVar (database versions not stated): ESP Exome Variant Server 0.00038; gnomAD 0.00082.
gnomAD v4.1: 1,261 of 1,614,066 alleles (0.078%); highest among the groups gnomAD compares: Middle Eastern, 0.033%; 14 homozygotes.

Submission:

CeGaT Center for Human Genetics Tuebingen
Classification: Benign. Last evaluated: 2022-07-01. Review status: criteria provided, single submitter. Criteria: CeGaT Center For Human Genetics Tuebingen Variant Classification Criteria Version 2. Collection method: clinical testing. Allele origin: germline. Affected: yes. Observed: 1 variant allele.
Comment: CELSR3: BS1, BS2

NM_001407.3(CELSR3):c.3473G>T (p.Arg1158Leu)

Gene: CELSR3 (cadherin EGF LAG seven-pass G-type receptor 3; minus strand). Cytogenetic location: 3p21.31.
Variant type: single nucleotide variant.
Coding change: c.3473G>T on transcript NM_001407.3 (MANE Select); coding-DNA position 3473, G replaced by T.
Protein change: p.Arg1158Leu; replaces arginine 1158 with leucine.
Molecular consequence: missense variant.
Genome position (GRCh38, 1-based): chr3:48,659,162, C>A on the plus strand (G>T on the coding strand, the complement: CELSR3 is on the minus strand). VCF-style: chr3-48659162-C-A. GRCh37 (hg19) VCF-style: chr3-48696595-C-A.
Other names: short protein forms R1158L.
Identifiers: ClinVar variation 2653802 (VCV002653802.24), dbSNP rs61729234, ClinGen allele CA2385116.